The following is an entry in ClinVar:

NM_001127511.3(APC):c.165+26911G>T

Gene: APC (APC regulator of Wnt signaling pathway; plus strand). Cytogenetic location: 5q22.2.
Variant type: single nucleotide variant.
Coding change: c.165+26911G>T on transcript NM_001127511.3; 26911 bases into the intron after coding-DNA position 165, G replaced by T.
Molecular consequence: intron variant.
Genome position (GRCh38, 1-based): chr5:112,734,793, G>T. VCF-style: chr5-112734793-G-T. GRCh37 (hg19) VCF-style: chr5-112070490-G-T.
Other names: c.-1053-20080G>T (NM_001407470.1, NM_001407472.1); c.-18-20080G>T (NM_001407447.1, NM_001354895.2, NM_001407456.1 and 7 more transcripts); c.165+26911G>T (NM_001407446.1, NM_001354897.2, NM_001354902.2); c.-43+27144G>T (NM_001407453.1).
Identifiers: ClinVar variation 82722 (VCV000082722.4), dbSNP rs12515164, ClinGen allele CA023599.

ClinVar aggregate classification (germline): other (0 of 4 stars; one submission).

Conditions:
Familial colorectal cancer. Identifiers: MedGen CN280943, MONDO:0023113. Disease mechanism: loss of function.

Allele frequency attached by ClinVar (database versions not stated): gnomAD 0.01860 and 0.01794.
gnomAD v4.1: 770 of 41,826 alleles (1.8%); highest among the groups gnomAD compares: East Asian, 11%; 7 homozygotes.

Submission:

Systems Biology Platform Zhejiang California International NanoSystems Institute
Classification: other for Familial colorectal cancer. Review status: no assertion criteria provided. Collection method: not provided. Allele origin: unknown.
ClinVar note: Converted during submission from cancer to other.